The following is an entry in ClinVar:

ClinVar aggregate classification (germline): Uncertain significance (1 of 4 stars; one submission).

Conditions:
Multiple endocrine neoplasia, type 1 (MEN1). Also called: MEN I; WERMER SYNDROME; Endocrine adenomatosis multiple; MEN 1; MEA I. Identifiers: Orphanet 652, MedGen C0025267, MeSH D018761, MONDO:0007540, OMIM 131100.

Submission:

Labcorp Genetics (formerly Invitae), Labcorp
Classification: Uncertain significance for Multiple endocrine neoplasia, type 1. Last evaluated: 2022-08-21. Review status: criteria provided, single submitter. Criteria: Invitae Variant Classification Sherloc (09022015). Collection method: clinical testing. Allele origin: germline.
Comment: This sequence change replaces lysine, which is basic and polar, with methionine, which is neutral and non-polar, at codon 557 of the MEN1 protein (p.Lys557Met). This variant is not present in population databases (gnomAD no frequency). This variant has not been reported in the literature in individuals affected with MEN1-related conditions. Advanced modeling of protein sequence and biophysical properties (such as structural, functional, and spatial information, amino acid conservation, physicochemical variation, residue mobility, and thermodynamic stability) performed at Invitae indicates that this missense variant is expected to disrupt MEN1 protein function. In summary, the available evidence is currently insufficient to determine the role of this variant in disease. Therefore, it has been classified as a Variant of Uncertain Significance.

NM_001370259.2(MEN1):c.1670A>T (p.Lys557Met)

Gene: MEN1 (menin 1; minus strand). Cytogenetic location: 11q13.1.
Variant type: single nucleotide variant.
Coding change: c.1670A>T on transcript NM_001370259.2 (MANE Select); coding-DNA position 1670, A replaced by T.
Protein change: p.Lys557Met; replaces lysine 557 with methionine.
Molecular consequence: missense variant.
Genome position (GRCh38, 1-based): chr11:64,804,497, T>A on the plus strand (A>T on the coding strand, the complement: MEN1 is on the minus strand). VCF-style: chr11-64804497-T-A. GRCh37 (hg19) VCF-style: chr11-64571969-T-A.
Other names: c.1685A>T, p.Lys562Met (NM_000244.4, NM_001407145.1, NM_130800.3 and 4 more transcripts); c.1796A>T, p.Lys599Met (NM_001370251.2, NM_001407142.1, NM_001407143.1 and 1 more transcripts); c.1670A>T, p.Lys557Met (NM_001370260.2, NM_001370261.2, NM_001407146.1 and 2 more transcripts); c.1565A>T, p.Lys522Met (NM_001370262.2, NM_001370263.2, NM_001407148.1 and 1 more transcripts); c.1811A>T, p.Lys604Met (NM_001407150.1); c.1691A>T, p.Lys564Met (NM_001407151.1); c.1505A>T, p.Lys502Met (NM_001407152.1); short protein forms K502M, K522M, K557M, K562M, K564M, K599M, K604M.
Identifiers: ClinVar variation 1717267 (VCV001717267.5), dbSNP rs2497106945, ClinGen allele CA381177770.